The following is an entry in ClinVar:

ClinVar aggregate classification (germline): Uncertain significance (1 of 4 stars; one submission).

Submission:

Labcorp Genetics (formerly Invitae), Labcorp
Classification: Uncertain significance. Last evaluated: 2022-03-17. Review status: criteria provided, single submitter. Criteria: Invitae Variant Classification Sherloc (09022015). Collection method: clinical testing. Allele origin: germline.
Comment: This variant has not been reported in the literature in individuals affected with KDM1A-related conditions. This sequence change replaces glutamic acid, which is acidic and polar, with glycine, which is neutral and non-polar, at codon 167 of the KDM1A protein (p.Glu167Gly). This variant is not present in population databases (gnomAD no frequency). Algorithms developed to predict the effect of missense changes on protein structure and function (SIFT, PolyPhen-2, Align-GVGD) all suggest that this variant is likely to be tolerated. In summary, the available evidence is currently insufficient to determine the role of this variant in disease. Therefore, it has been classified as a Variant of Uncertain Significance.

NM_001009999.3(KDM1A):c.500A>G (p.Glu167Gly)

Gene: KDM1A (lysine demethylase 1A; plus strand). Cytogenetic location: 1p36.12.
Variant type: single nucleotide variant.
Coding change: c.500A>G on transcript NM_001009999.3 (MANE Select); coding-DNA position 500, A replaced by G.
Protein change: p.Glu167Gly; replaces glutamic acid 167 with glycine.
Molecular consequence: missense variant.
Genome position (GRCh38, 1-based): chr1:23,030,617, A>G. VCF-style: chr1-23030617-A-G. GRCh37 (hg19) VCF-style: chr1-23357110-A-G.
Other names: c.500A>G, p.Glu167Gly (NM_001363654.2, NM_001410762.1, NM_001410763.1 and 1 more transcripts); short protein forms E167G.
Identifiers: ClinVar variation 2111864 (VCV002111864.4), dbSNP rs2522544792, ClinGen allele CA338957438.